The following is an entry in ClinVar:

ClinVar aggregate classification (germline): Likely benign. Review status: criteria provided, multiple submitters, no conflicts (2 of 4 stars). 2 submissions from 2 submitters: Likely benign (2). Last evaluated 2024-07-20.

Conditions:
Hereditary cancer-predisposing syndrome. Also called: Tumor predisposition; Neoplastic Syndromes, Hereditary; Hereditary Cancer Syndrome; Hereditary neoplastic syndrome. Identifiers: Orphanet 140162, MedGen C0027672, MeSH D009386, MONDO:0015356.
Von Hippel-Lindau syndrome (VHLS). Also called: Von Hippel-Lindau; von Hippel–Lindau syndrome; VHL syndrome. Identifiers: Orphanet 892, MedGen C0019562, MONDO:0008667, OMIM 193300. Disease mechanism: loss of function.

Allele frequency attached by ClinVar (database versions not stated): ExAC 0.00003.

Submissions (2):

All of Us Research Program, National Institutes of Health
Classification: Likely benign for Von Hippel-Lindau syndrome. Last evaluated: 2024-07-20. Review status: criteria provided, single submitter. Criteria: ACMG Guidelines, 2015. Collection method: clinical testing. Allele origin: germline. Inheritance: Autosomal dominant inheritance. Observed: 1 variant allele, 1 heterozygote.
Comment: This study involves interpretation of variants in research participants for the purpose of population health screening. Participant phenotype was not available at the time of variant classification. Additional details can be found in publication PMID: 35346344, PMCID: PMC8962531

Ambry Genetics
Classification: Likely benign for Hereditary cancer-predisposing syndrome. Last evaluated: 2021-10-30. Review status: criteria provided, single submitter. Criteria: Ambry Variant Classification Scheme 2023. Collection method: clinical testing. Allele origin: germline.

NM_000551.4(VHL):c.171G>T (p.Gly57=)

Gene: VHL (von Hippel-Lindau tumor suppressor; plus strand). Cytogenetic location: 3p25.3.
Variant type: single nucleotide variant.
Coding change: c.171G>T on transcript NM_000551.4 (MANE Select); coding-DNA position 171, G replaced by T.
Protein change: p.Gly57=; no amino-acid change (glycine 57 retained).
Molecular consequence: synonymous variant. On other transcripts: non-coding transcript variant (1).
Genome position (GRCh38, 1-based): chr3:10,142,018, G>T. VCF-style: chr3-10142018-G-T. GRCh37 (hg19) VCF-style: chr3-10183702-G-T.
Other names: c.171G>T, p.Gly57= (NM_001354723.2, NM_198156.3).
Identifiers: ClinVar variation 1778731 (VCV001778731.3), dbSNP rs750103719, ClinGen allele CA039611.